The following is an entry in ClinVar:

ClinVar aggregate classification (germline): Uncertain significance (1 of 4 stars; one submission).

gnomAD v4.1: 39 of 1,613,234 alleles (0.0024%); highest among the groups gnomAD compares: Non-Finnish European, 0.0032%; no homozygotes.

Submission:

Labcorp Genetics (formerly Invitae), Labcorp
Classification: Uncertain significance. Last evaluated: 2025-09-08. Review status: criteria provided, single submitter. Criteria: Invitae Variant Classification Sherloc (09022015). Collection method: clinical testing. Allele origin: germline.
Comment: This sequence change replaces isoleucine, which is neutral and non-polar, with threonine, which is neutral and polar, at codon 200 of the JAK2 protein (p.Ile200Thr). This variant is present in population databases (rs376697477, gnomAD 0.004%). This variant has not been reported in the literature in individuals affected with JAK2-related conditions. ClinVar contains an entry for this variant (Variation ID: 3711113). Invitae Evidence Modeling of protein sequence and biophysical properties (such as structural, functional, and spatial information, amino acid conservation, physicochemical variation, residue mobility, and thermodynamic stability) indicates that this missense variant is not expected to disrupt JAK2 protein function with a negative predictive value of 80%. In summary, the available evidence is currently insufficient to determine the role of this variant in disease. Therefore, it has been classified as a Variant of Uncertain Significance.

NM_004972.4(JAK2):c.599T>C (p.Ile200Thr)

Genes: INSL6 (insulin like 6; minus strand), JAK2 (Janus kinase 2; plus strand). Cytogenetic location: 9p24.1.
Variant type: single nucleotide variant.
Coding change: c.599T>C on transcript NM_004972.4 (MANE Select); coding-DNA position 599, T replaced by C.
Protein change: p.Ile200Thr; replaces isoleucine 200 with threonine.
Molecular consequence: missense variant. On other transcripts: 5 prime UTR variant (2), non-coding transcript variant (2).
Genome position (GRCh38, 1-based): chr9:5,050,816, T>C. VCF-style: chr9-5050816-T-C. GRCh37 (hg19) VCF-style: chr9-5050816-T-C.
Other names: c.599T>C, p.Ile200Thr (NM_001322194.2, NM_001322195.2, NM_001322196.2); c.-522T>C (NM_001322198.2, NM_001322199.2); c.152T>C, p.Ile51Thr (NM_001322204.2); short protein forms I51T, I200T.
Identifiers: ClinVar variation 3711113 (VCV003711113.2).